The following is an entry in ClinVar:

ClinVar aggregate classification (germline): Uncertain significance (1 of 4 stars; one submission).

Conditions:
Hereditary cancer-predisposing syndrome. Also called: Hereditary neoplastic syndrome; Neoplastic Syndromes, Hereditary; Tumor predisposition; Hereditary Cancer Syndrome. Identifiers: Orphanet 140162, MedGen C0027672, MeSH D009386, MONDO:0015356.

gnomAD v4.1: 1 of 1,614,192 alleles (0.000062%); highest among the groups gnomAD compares: Non-Finnish European, 0.000085%; no homozygotes.

Submission:

Ambry Genetics
Classification: Uncertain significance for Hereditary cancer-predisposing syndrome. Last evaluated: 2025-08-27. Review status: criteria provided, single submitter. Criteria: Ambry Variant Classification Scheme 2023. Collection method: clinical testing. Allele origin: germline.
Comment: The p.Q299R variant (also known as c.896A>G), located in coding exon 10 of the MUTYH gene, results from an A to G substitution at nucleotide position 896. The glutamine at codon 299 is replaced by arginine, an amino acid with highly similar properties. This amino acid position is conserved. In addition, this alteration is predicted to be tolerated by in silico analysis. Based on the available evidence, the clinical significance of this variant remains unclear.

NM_001048174.2(MUTYH):c.812A>G (p.Gln271Arg)

Gene: MUTYH (mutY DNA glycosylase; minus strand). Cytogenetic location: 1p34.1.
Variant type: single nucleotide variant.
Coding change: c.812A>G on transcript NM_001048174.2 (MANE Select); coding-DNA position 812, A replaced by G.
Protein change: p.Gln271Arg; replaces glutamine 271 with arginine.
Molecular consequence: missense variant. On other transcripts: non-coding transcript variant (7).
Genome position (GRCh38, 1-based): chr1:45,332,203, T>C on the plus strand (A>G on the coding strand, the complement: MUTYH is on the minus strand). VCF-style: chr1-45332203-T-C. GRCh37 (hg19) VCF-style: chr1-45797875-T-C.
Other names: c.812A>G, p.Gln271Arg (NM_001048171.2, NM_001407070.1, NM_001407072.1 and 6 more transcripts); c.536A>G, p.Gln179Arg (NM_001293196.2, NM_001407091.1, NM_001293192.2); c.467A>G, p.Gln156Arg (NM_001350650.2, NM_001350651.2, NM_001407082.1); c.845A>G, p.Gln282Arg (NM_001407069.1, NM_001407077.1, NM_001293191.2); c.815A>G, p.Gln272Arg (NM_001407071.1, NM_001048172.2, NM_001407078.1 and 1 more transcripts); c.728A>G, p.Gln243Arg (NM_001407075.1); c.887A>G, p.Gln296Arg (NM_012222.3); c.896A>G, p.Gln299Arg (NM_001128425.2); and 5 more; short protein forms Q243R, Q271R, Q278R, Q257R, Q286R, Q258R, Q272R, Q282R.
Identifiers: ClinVar variation 4113891 (VCV004113891.1).